The following is an entry in ClinVar:

NM_001658.4(ARF1):c.392C>T (p.Pro131Leu)

Genes: ARF1 (ARF GTPase 1; plus strand), LOC126806039 (CDK7 strongly-dependent group 2 enhancer GRCh37_chr1:228284937-228286136; plus strand). Cytogenetic location: 1q42.13.
Variant type: single nucleotide variant.
Coding change: c.392C>T on transcript NM_001658.4 (MANE Select); coding-DNA position 392, C replaced by T.
Protein change: p.Pro131Leu; replaces proline 131 with leucine.
Molecular consequence: missense variant.
Genome position (GRCh38, 1-based): chr1:228,097,859, C>T. VCF-style: chr1-228097859-C-T. GRCh37 (hg19) VCF-style: chr1-228285560-C-T.
Other names: c.392C>T, p.Pro131Leu (NM_001024226.2, NM_001024227.1, NM_001024228.2); short protein forms P131L.
Identifiers: ClinVar variation 1343800 (VCV001343800.22), dbSNP rs2124858360, ClinGen allele CA345079603.

ClinVar aggregate classification (germline): Conflicting classifications of pathogenicity. Review status: criteria provided, conflicting classifications (1 of 4 stars). 2 submissions from 2 submitters: Pathogenic (1); Uncertain significance (1). Last evaluated 2024-03-01.

Conditions:
Periventricular nodular heterotopia 8. Identifiers: MedGen C4748602, MONDO:0032588, OMIM 618185.

Submissions (2):

CeGaT Center for Human Genetics Tuebingen
Classification: Uncertain significance. Last evaluated: 2024-03-01. Review status: criteria provided, single submitter. Criteria: CeGaT Center For Human Genetics Tuebingen Variant Classification Criteria Version 2. Collection method: clinical testing. Allele origin: germline. Affected: yes. Observed: 1 variant allele.
Comment: ARF1: PM2, PM6:Supporting, PP2, PP3

Groupe Hospitalier Pitie Salpetriere, Uf Genomique Du Developpement, Assistance Publique Hopitaux de Paris Sorbonne Université
Classification: Pathogenic for Periventricular nodular heterotopia 8. Last evaluated: 2022-03-12. Review status: criteria provided, single submitter. Criteria: ACMG Guidelines, 2015. Collection method: clinical testing. Allele origin: de novo. Affected: yes.
Comment: PS2, PM2, PM5, PP3, PP2